The following is an entry in ClinVar:

ClinVar aggregate classification (germline): Uncertain significance. Review status: criteria provided, multiple submitters, no conflicts (2 of 4 stars). 2 submissions from 2 submitters: Uncertain significance (2). Last evaluated 2025-04-13.

gnomAD v4.1: 7 of 1,614,162 alleles (0.00043%); highest among the groups gnomAD compares: African/African-American, 0.0013%; no homozygotes.

Submissions (2):

Labcorp Genetics (formerly Invitae), Labcorp
Classification: Uncertain significance. Last evaluated: 2025-04-13. Review status: criteria provided, single submitter. Criteria: Invitae Variant Classification Sherloc (09022015). Collection method: clinical testing. Allele origin: germline.
Comment: This sequence change replaces glutamine, which is neutral and polar, with histidine, which is basic and polar, at codon 480 of the VAV1 protein (p.Gln480His). This variant is not present in population databases (gnomAD no frequency). This variant has not been reported in the literature in individuals affected with VAV1-related conditions. ClinVar contains an entry for this variant (Variation ID: 3331885). An algorithm developed to predict the effect of missense changes on protein structure and function (PolyPhen-2) suggests that this variant is likely to be tolerated. In summary, the available evidence is currently insufficient to determine the role of this variant in disease. Therefore, it has been classified as a Variant of Uncertain Significance.

Ambry Genetics
Classification: Uncertain significance. Last evaluated: 2024-05-29. Review status: criteria provided, single submitter. Criteria: Ambry Variant Classification Scheme 2023. Collection method: clinical testing. Allele origin: germline.

NM_005428.4(VAV1):c.1440G>C (p.Gln480His)

Gene: VAV1 (vav guanine nucleotide exchange factor 1; plus strand). Cytogenetic location: 19p13.3.
Variant type: single nucleotide variant.
Coding change: c.1440G>C on transcript NM_005428.4 (MANE Select); coding-DNA position 1440, G replaced by C.
Protein change: p.Gln480His; replaces glutamine 480 with histidine.
Molecular consequence: missense variant.
Genome position (GRCh38, 1-based): chr19:6,832,132, G>C. VCF-style: chr19-6832132-G-C. GRCh37 (hg19) VCF-style: chr19-6832143-G-C.
Other names: c.1440G>C, p.Gln480His (NM_001258206.2); c.1344G>C, p.Gln448His (NM_001258207.2); short protein forms Q480H, Q448H.
Identifiers: ClinVar variation 3331885 (VCV003331885.3).